The following is an entry in ClinVar:

ClinVar aggregate classification (germline): Pathogenic (1 of 4 stars; one submission).

Submission:

CeGaT Center for Human Genetics Tuebingen
Classification: Pathogenic. Last evaluated: 2024-12-01. Review status: criteria provided, single submitter. Criteria: CeGaT Center For Human Genetics Tuebingen Variant Classification Criteria Version 2. Collection method: clinical testing. Allele origin: germline. Affected: yes. Observed: 1 variant allele.
Comment: KIF11: PVS1, PM2

NM_004523.4(KIF11):c.1129-2A>G

Gene: KIF11 (kinesin family member 11; plus strand). Cytogenetic location: 10q23.33.
Variant type: single nucleotide variant.
Coding change: c.1129-2A>G on transcript NM_004523.4 (MANE Select); the canonical splice acceptor site of the intron before coding-DNA position 1129, A replaced by G.
Molecular consequence: splice acceptor variant.
Genome position (GRCh38, 1-based): chr10:92,621,383, A>G. VCF-style: chr10-92621383-A-G. GRCh37 (hg19) VCF-style: chr10-94381140-A-G.
Identifiers: ClinVar variation 3772039 (VCV003772039.13).